The following is an entry in ClinVar:

ClinVar aggregate classification (germline): Uncertain significance (1 of 4 stars; one submission).

Conditions:
TTN-related disorder. Also called: TTN-related disorders; TTN-related condition; TTN-related disease.

Submission:

PreventionGenetics, part of Exact Sciences
Classification: Uncertain significance for TTN-related condition. Last evaluated: 2025-06-11. Review status: criteria provided, single submitter. Criteria: ACMG Guidelines, 2015. Collection method: clinical testing. Allele origin: germline.
Comment: The TTN c.15522T>G variant is predicted to result in the amino acid substitution p.Ile5174Met. In another transcript (NM_133379), this variant is designated c.15522T>G and is predicted to result in an amino acid substitution (p.Ile5174Met). To our knowledge, this variant has not been reported in the literature. This variant is reported in 0.0080% of alleles in individuals of African descent in gnomAD. At this time, the clinical significance of this variant is uncertain due to the absence of conclusive functional and genetic evidence.

NM_001267550.2(TTN):c.11312-4957T>G

Gene: TTN (titin; minus strand). Cytogenetic location: 2q31.2.
Variant type: single nucleotide variant.
Coding change: c.11312-4957T>G on transcript NM_001267550.2 (MANE Select); 4957 bases into the intron before coding-DNA position 11312, T replaced by G.
Molecular consequence: intron variant. On other transcripts: missense variant (1).
Genome position (GRCh38, 1-based): chr2:178,746,878, A>C on the plus strand (T>G on the coding strand, the complement: TTN is on the minus strand). VCF-style: chr2-178746878-A-C. GRCh37 (hg19) VCF-style: chr2-179611605-A-C.
Other names: c.15522T>G, p.Ile5174Met (NM_133379.5); c.10223-4957T>G (NM_003319.4); c.10799-4957T>G (NM_133437.4); c.10598-4957T>G (NM_133432.3); c.10360+6246T>G (NM_133378.4); c.10361-4957T>G (NM_001256850.1); short protein forms I5174M.
Identifiers: ClinVar variation 4981593 (VCV004981593.1).
Genomic context (GRCh38, chr2:178,746,878, plus strand): 5'-TACCTTCCTTTTGGTCAGAGGTTCAATAAAAGATGGAGGCATTTCATTGTCTTTTGGCTC[A>C]ATGGCTTCATTGGGTGTACCAAATGAATCGGAACGCCATATTTCATAAGCTGAACCCCTC-3'